The following is an entry in ClinVar:

ClinVar aggregate classification (germline): Uncertain significance (1 of 4 stars; one submission).

gnomAD v4.1: 3 of 1,614,058 alleles (0.00019%); highest among the groups gnomAD compares: African/African-American, 0.004%; no homozygotes.

Submission:

Labcorp Genetics (formerly Invitae), Labcorp
Classification: Uncertain significance. Last evaluated: 2024-03-20. Review status: criteria provided, single submitter. Criteria: Invitae Variant Classification Sherloc (09022015). Collection method: clinical testing. Allele origin: germline.
Comment: This sequence change replaces lysine, which is basic and polar, with arginine, which is basic and polar, at codon 258 of the SON protein (p.Lys258Arg). This variant is not present in population databases (gnomAD no frequency). This variant has not been reported in the literature in individuals affected with SON-related conditions. Algorithms developed to predict the effect of missense changes on protein structure and function output the following: SIFT: "Not Available"; PolyPhen-2: "Benign"; Align-GVGD: "Not Available". The arginine amino acid residue is found in multiple mammalian species, which suggests that this missense change does not adversely affect protein function. In summary, the available evidence is currently insufficient to determine the role of this variant in disease. Therefore, it has been classified as a Variant of Uncertain Significance.

NM_138927.4(SON):c.773A>G (p.Lys258Arg)

Gene: SON (SON DNA and RNA binding protein; plus strand). Cytogenetic location: 21q22.11.
Variant type: single nucleotide variant.
Coding change: c.773A>G on transcript NM_138927.4 (MANE Select); coding-DNA position 773, A replaced by G.
Protein change: p.Lys258Arg; replaces lysine 258 with arginine.
Molecular consequence: missense variant. On other transcripts: non-coding transcript variant (1), intron variant (1).
Genome position (GRCh38, 1-based): chr21:33,550,004, A>G. VCF-style: chr21-33550004-A-G. GRCh37 (hg19) VCF-style: chr21-34922310-A-G.
Other names: c.773A>G, p.Lys258Arg (NM_001291411.2, NM_032195.3); c.244+3625A>G (NM_001291412.3); short protein forms K258R.
Identifiers: ClinVar variation 3646964 (VCV003646964.2).